The following is an entry in ClinVar:

ClinVar aggregate classification (germline): Uncertain significance (1 of 4 stars; one submission).

Conditions:
Autosomal dominant epilepsy with auditory features. Identifiers: Orphanet 101046, MedGen C1838062, MONDO:0010898.

Submission:

Labcorp Genetics (formerly Invitae), Labcorp
Classification: Uncertain significance for Autosomal dominant epilepsy with auditory features. Last evaluated: 2025-05-22. Review status: criteria provided, single submitter. Criteria: Invitae Variant Classification Sherloc (09022015). Collection method: clinical testing. Allele origin: germline.
Comment: This sequence change replaces threonine, which is neutral and polar, with serine, which is neutral and polar, at codon 64 of the LGI1 protein (p.Thr64Ser). This variant is not present in population databases (gnomAD no frequency). This variant has not been reported in the literature in individuals affected with LGI1-related conditions. ClinVar contains an entry for this variant (Variation ID: 970383). An algorithm developed to predict the effect of missense changes on protein structure and function outputs the following: PolyPhen-2: "Benign". The serine amino acid residue is found in multiple mammalian species, which suggests that this missense change does not adversely affect protein function. In summary, the available evidence is currently insufficient to determine the role of this variant in disease. Therefore, it has been classified as a Variant of Uncertain Significance.

NM_005097.4(LGI1):c.191C>G (p.Thr64Ser)

Gene: LGI1 (leucine rich glioma inactivated 1; plus strand). Cytogenetic location: 10q23.33.
Variant type: single nucleotide variant.
Coding change: c.191C>G on transcript NM_005097.4 (MANE Select); coding-DNA position 191, C replaced by G.
Protein change: p.Thr64Ser; replaces threonine 64 with serine.
Molecular consequence: missense variant. On other transcripts: non-coding transcript variant (1).
Genome position (GRCh38, 1-based): chr10:93,758,335, C>G. VCF-style: chr10-93758335-C-G. GRCh37 (hg19) VCF-style: chr10-95518092-C-G.
Other names: c.191C>G, p.Thr64Ser (NM_001308275.2, NM_001308276.2); short protein forms T64S.
Identifiers: ClinVar variation 970383 (VCV000970383.11), dbSNP rs373616721, ClinGen allele CA377631635.